The following is an entry in ClinVar:

ClinVar aggregate classification (germline): Conflicting classifications of pathogenicity. Review status: criteria provided, conflicting classifications (1 of 4 stars). 7 submissions from 6 submitters: Uncertain significance (5); Likely benign (2). Last evaluated 2025-11-23.

Conditions:
Hereditary cancer-predisposing syndrome. Also called: Hereditary Cancer Syndrome; Neoplastic Syndromes, Hereditary; Tumor predisposition; Hereditary neoplastic syndrome. Identifiers: Orphanet 140162, MedGen C0027672, MeSH D009386, MONDO:0015356.
Neurofibromatosis, type 1 (NF1). Also called: Neurofibromatosis, type I; VON RECKLINGHAUSEN DISEASE; NEUROFIBROMATOSIS, TYPE I, SOMATIC; Peripheral type neurofibromatosis. Identifiers: Orphanet 636, MedGen C0027831, MONDO:0018975, OMIM 162200. Disease mechanism: loss of function.
Cardiovascular phenotype. Identifiers: MedGen CN230736.
Café-au-lait macules with pulmonary stenosis (WTSN). Also called: PULMONIC STENOSIS WITH CAFE-AU-LAIT SPOTS. Identifiers: MedGen C0553586, MONDO:0008672, OMIM 193520.
Juvenile myelomonocytic leukemia (JMML). Also called: LEUKEMIA, JUVENILE MYELOMONOCYTIC, SOMATIC. Identifiers: Orphanet 86834, MedGen C0349639, MONDO:0011908, OMIM 607785, HP:0012209.
Neurofibromatosis-Noonan syndrome (NFNS). Also called: NEUROFIBROMATOSIS WITH NOONAN PHENOTYPE. Identifiers: Orphanet 638, MedGen C2931482, MONDO:0011035, OMIM 601321. Disease mechanism: loss of function.
Neurofibromatosis, familial spinal (FSNF). Identifiers: Orphanet 636, MedGen C1834235, MONDO:0008078, OMIM 162210. Disease mechanism: loss of function.

Allele frequency attached by ClinVar (database versions not stated): TOPMed 0.00001.
gnomAD v4.1: 2 of 1,602,478 alleles (0.00012%); highest among the groups gnomAD compares: Non-Finnish European, 0.00017%; no homozygotes.

Submissions (7):

Labcorp Genetics (formerly Invitae), Labcorp
Classification: Likely benign for Neurofibromatosis, type 1. Last evaluated: 2025-11-23. Review status: criteria provided, single submitter. Criteria: Invitae Variant Classification Sherloc (09022015). Collection method: clinical testing. Allele origin: germline.

Ambry Genetics
Classification: Likely benign for Cardiovascular phenotype; Hereditary cancer-predisposing syndrome. Last evaluated: 2024-03-13. Review status: criteria provided, single submitter. Criteria: Ambry Variant Classification Scheme 2023. Collection method: clinical testing. Allele origin: germline.

GeneDx
Classification: Uncertain significance. Last evaluated: 2023-09-08. Review status: criteria provided, single submitter. Criteria: GeneDx Variant Classification Process June 2021. Collection method: clinical testing. Allele origin: germline. Affected: yes.
Comment: Not observed at significant frequency in large population cohorts (gnomAD); In silico analysis supports that this missense variant has a deleterious effect on protein structure/function; Has not been previously reported as a pathogenic or benign germline variant to our knowledge; This variant is associated with the following publications: (PMID: 22807134, 25486365, 29106415)

Baylor Genetics
Classification: Uncertain significance for Juvenile myelomonocytic leukemia. Last evaluated: 2023-06-26. Review status: criteria provided, single submitter. Criteria: ACMG Guidelines, 2015. Collection method: clinical testing. Allele origin: unknown.

Fulgent Genetics
Classification: Uncertain significance for Neurofibromatosis, type 1; Neurofibromatosis, familial spinal; Café-au-lait macules with pulmonary stenosis; Neurofibromatosis-Noonan syndrome; Juvenile myelomonocytic leukemia. Last evaluated: 2022-05-04. Review status: criteria provided, single submitter. Criteria: ACMG Guidelines, 2015. Collection method: clinical testing. Allele origin: unknown.

Genome-Nilou Lab
Classification: Uncertain significance for Neurofibromatosis, type 1. Last evaluated: 2022-03-15. Review status: criteria provided, single submitter. Criteria: ACMG Guidelines, 2015. Collection method: clinical testing. Allele origin: germline. Affected: no.

Ambry Genetics
Classification: Uncertain significance for Hereditary cancer-predisposing syndrome. Last evaluated: 2015-01-06. Review status: criteria provided, single submitter. Criteria: Ambry Autosomal Dominant and X-Linked criteria (10/2015). Collection method: clinical testing. Allele origin: germline. Observed: 1 variant allele.
Comment: The p.N1471S variant (also known as c.4412A>G), located in coding exon 33 of the NF1 gene, results from an A to G substitution at nucleotide position 4412. The asparagine at codon 1471 is replaced by serine, an amino acid with highly similar properties. This variant was not reported in population based cohorts in the following databases: Database of Single Nucleotide Polymorphisms (dbSNP), NHLBI Exome Sequencing Project (ESP), and 1000 Genomes Project. In the ESP, this variant was not observed in 6,497 samples (12,994 alleles) with coverage at this position. To date, this alteration has been detected with an allele frequency of approximately 0.003% (greater than 30,000 alleles tested) in our clinical cohort. This amino acid position is highly conserved in available vertebrate species. In addition, this alteration is predicted to be benign and deleterious by PolyPhen and SIFT in silico analyses, respectively. Since supporting evidence is limited at this time, the clinical significance of p.N1471S remains unclear.

NM_001042492.3(NF1):c.4412A>G (p.Asn1471Ser)

Gene: NF1 (neurofibromin 1; plus strand). Cytogenetic location: 17q11.2.
Variant type: single nucleotide variant.
Coding change: c.4412A>G on transcript NM_001042492.3 (MANE Select); coding-DNA position 4412, A replaced by G.
Protein change: p.Asn1471Ser; replaces asparagine 1471 with serine.
Molecular consequence: missense variant.
Genome position (GRCh38, 1-based): chr17:31,259,111, A>G. VCF-style: chr17-31259111-A-G. GRCh37 (hg19) VCF-style: chr17-29586129-A-G.
Other names: c.4349A>G, p.Asn1450Ser (NM_000267.4); short protein forms N1450S, N1471S.
Identifiers: ClinVar variation 229884 (VCV000229884.18), dbSNP rs876658250, ClinGen allele CA10580316.
Genomic context (GRCh38, chr17:31,259,111, plus strand): 5'-ATCATGTTCTCTTCACAAAAGAAGAACATATGCGGCCTTTCAATGATTTTGTGAAAAGCA[A>G]CTTTGATGCAGCACGCAGGTAATTTTCTTGCCACTTACTCAGTTGCTCTGTTTGAATCAA-3'
Protein context (NP_001035957.1, residues 1461-1481): MRPFNDFVKS[Asn1471Ser]FDAARRFFLD